The following is an entry in ClinVar:

ClinVar aggregate classification (germline): Uncertain significance (1 of 4 stars; one submission).

Conditions:
Primary dilated cardiomyopathy (DCM). Also called: Dilated Cardiomyopathy. Identifiers: Orphanet 217604, MedGen C0007193, MeSH D002311, MONDO:0005021, HP:0001644. Inheritance: Various modes of inheritance.

Submission:

Labcorp Genetics (formerly Invitae), Labcorp
Classification: Uncertain significance for Primary dilated cardiomyopathy. Last evaluated: 2025-07-15. Review status: criteria provided, single submitter. Criteria: Invitae Variant Classification Sherloc (09022015). Collection method: clinical testing. Allele origin: germline.
Comment: This sequence change replaces isoleucine, which is neutral and non-polar, with leucine, which is neutral and non-polar, at codon 203 of the NEBL protein (p.Ile203Leu). This variant is not present in population databases (gnomAD no frequency). This variant has not been reported in the literature in individuals affected with NEBL-related conditions. An algorithm developed to predict the effect of missense changes on protein structure and function (PolyPhen-2) suggests that this variant is likely to be tolerated. In summary, the available evidence is currently insufficient to determine the role of this variant in disease. Therefore, it has been classified as a Variant of Uncertain Significance.

NM_006393.3(NEBL):c.607A>C (p.Ile203Leu)

Gene: NEBL (nebulette; minus strand). Cytogenetic location: 10p12.31.
Variant type: single nucleotide variant.
Coding change: c.607A>C on transcript NM_006393.3 (MANE Select); coding-DNA position 607, A replaced by C.
Protein change: p.Ile203Leu; replaces isoleucine 203 with leucine.
Molecular consequence: missense variant. On other transcripts: intron variant (9).
Genome position (GRCh38, 1-based): chr10:20,868,741, T>G on the plus strand (A>C on the coding strand, the complement: NEBL is on the minus strand). VCF-style: chr10-20868741-T-G. GRCh37 (hg19) VCF-style: chr10-21157670-T-G.
Other names: c.250-55801A>C (NM_001377326.1, NM_001377327.1, NM_001377328.1); c.358-55801A>C (NM_213569.2, NM_001173484.2, NM_001377322.1); c.301-55801A>C (NM_001377324.1); c.292-55801A>C (NM_001377325.1); c.310-55801A>C (NM_001377323.1); short protein forms I203L.
Identifiers: ClinVar variation 4776307 (VCV004776307.1).